The following is an entry in ClinVar:

NM_002473.6(MYH9):c.585G>A (p.Ala195=)

Gene: MYH9 (myosin heavy chain 9; minus strand). Cytogenetic location: 22q12.3.
Variant type: single nucleotide variant.
Coding change: c.585G>A on transcript NM_002473.6 (MANE Select); coding-DNA position 585, G replaced by A.
Protein change: p.Ala195=; no amino-acid change (alanine 195 retained).
Molecular consequence: synonymous variant.
Genome position (GRCh38, 1-based): chr22:36,326,595, C>T on the plus strand (G>A on the coding strand, the complement: MYH9 is on the minus strand). VCF-style: chr22-36326595-C-T. GRCh37 (hg19) VCF-style: chr22-36722640-C-T.
Other names: c.585G>A (NM_002473.5).
Identifiers: ClinVar variation 341532 (VCV000341532.11), dbSNP rs374395918, ClinGen allele CA10210586.
Genomic context (GRCh38, chr22:36,326,595, plus strand): 5'-GGCGGCCACAGGGACAAGGGCTGCAGCACTCACCTGGTCCTTCTTGCTCTTGTGCGAGGA[C>T]GCCACGTACGCCAGATACTGGATGACCTTCTTGGTGTTCTCCGTCTTGCCAGCTCCAGAT-3'
Protein context (NP_002464.1, residues 185-205): KKVIQYLAYV[Ala195=]SSHKSKKDQG

ClinVar aggregate classification (germline): Conflicting classifications of pathogenicity. Review status: criteria provided, conflicting classifications (1 of 4 stars). 4 submissions from 3 submitters: Uncertain significance (1); Benign (2). 1 of the submissions does not count toward it. Last evaluated 2022-09-19.

Conditions:
MYH9-related disorder. Identifiers: MedGen C1854520.
Autosomal dominant nonsyndromic hearing loss 17. Also called: Autosomal dominant nonsyndromic deafness 17; Deafness, autosomal dominant 17. Identifiers: Orphanet 90635, MedGen C1863659, MONDO:0011350, OMIM 603622.

Allele frequency attached by ClinVar (database versions not stated): gnomAD 0.00002 and 0.00003; gnomAD exomes 0.00002; TOPMed 0.00002; ExAC 0.00003; ESP Exome Variant Server 0.00008.
gnomAD v4.1: 27 of 1,614,102 alleles (0.0017%); highest among the groups gnomAD compares: South Asian, 0.0066%; no homozygotes.

Submissions (4):

Labcorp Genetics (formerly Invitae), Labcorp
Classification: Benign. Last evaluated: 2022-09-19. Review status: criteria provided, single submitter. Criteria: Invitae Variant Classification Sherloc (09022015). Collection method: clinical testing. Allele origin: germline.

Illumina Laboratory Services, Illumina
Classification: Uncertain significance for Autosomal dominant nonsyndromic hearing loss 17. Last evaluated: 2018-01-12. Review status: criteria provided, single submitter. Criteria: ICSL Variant Classification Criteria 13 December 2019. Collection method: clinical testing. Allele origin: germline.

Illumina Laboratory Services, Illumina
Classification: Benign for MYH9-related disorder. Last evaluated: 2018-01-12. Review status: criteria provided, single submitter. Criteria: ICSL Variant Classification Criteria 13 December 2019. Collection method: clinical testing. Allele origin: germline.
Comment: This variant was observed in the ICSL laboratory as part of a predisposition screen in an ostensibly healthy population. It had not been previously curated by ICSL or reported in the Human Gene Mutation Database (HGMD: prior to June 1st, 2018), and was therefore a candidate for classification through an automated scoring system. Utilizing variant allele frequency, disease prevalence and penetrance estimates, and inheritance mode, an automated score was calculated to assess if this variant is too frequent to cause the disease. Based on the score and internal cut-off values, a variant classified as benign is not then subjected to further curation. The score for this variant resulted in a classification of benign for this disease.

PreventionGenetics, part of Exact Sciences
Classification: Likely benign for MYH9-related condition. Last evaluated: 2019-03-28. Review status: no assertion criteria provided. Collection method: clinical testing. Allele origin: germline. Not counted in ClinVar's aggregate classification.
Comment: This variant is classified as likely benign based on ACMG/AMP sequence variant interpretation guidelines (Richards et al. 2015 PMID: 25741868, with internal and published modifications).